The following is an entry in ClinVar:

ClinVar aggregate classification (germline): Likely benign (0 of 4 stars; one submission).

Conditions:
EHBP1-related disorder. Also called: EHBP1-related condition.

Allele frequency attached by ClinVar (database versions not stated): gnomAD exomes 0.00007; gnomAD 0.00011; ExAC 0.00012; TOPMed 0.00022.
gnomAD v4.1: 127 of 1,609,174 alleles (0.0079%); highest among the groups gnomAD compares: Middle Eastern, 0.049%; no homozygotes.

Submission:

PreventionGenetics, part of Exact Sciences
Classification: Likely benign for EHBP1-related condition. Last evaluated: 2019-04-30. Review status: no assertion criteria provided. Collection method: clinical testing. Allele origin: germline.
Comment: This variant is classified as likely benign based on ACMG/AMP sequence variant interpretation guidelines (Richards et al. 2015 PMID: 25741868, with internal and published modifications).

NM_001142616.3(EHBP1):c.567C>T (p.Phe189=)

Gene: EHBP1 (EH domain binding protein 1; plus strand). Cytogenetic location: 2p15.
Variant type: single nucleotide variant.
Coding change: c.567C>T on transcript NM_001142616.3 (MANE Select); coding-DNA position 567, C replaced by T.
Protein change: p.Phe189=; no amino-acid change (phenylalanine 189 retained).
Molecular consequence: synonymous variant.
Genome position (GRCh38, 1-based): chr2:62,831,091, C>T. VCF-style: chr2-62831091-C-T. GRCh37 (hg19) VCF-style: chr2-63058226-C-T.
Other names: c.567C>T, p.Phe189= (NM_001142614.2, NM_001142615.3, NM_001354212.1 and 11 more transcripts).
Identifiers: ClinVar variation 3056277 (VCV003056277.2), dbSNP rs764601328, ClinGen allele CA1680877.
Genomic context (GRCh38, chr2:62,831,091, plus strand): 5'-GCAAAGTTTGGCTAGTTTGATGAGTATGAAGCAGGCTGACATTGGCAATTTAGATGACTT[C>T]GAAGAAGATAATGAAGATGATGATGAGAACAGAGTGAACCAAGAAGAAAAGGCAGCTAAA-3'
Protein context (NP_001136088.1, residues 179-199): KQADIGNLDD[Phe189=]EEDNEDDDEN